The following is an entry in ClinVar:

NM_001197104.2(KMT2A):c.10463dup (p.Thr3489fs)

Gene: KMT2A (lysine methyltransferase 2A; plus strand). Cytogenetic location: 11q23.3.
Variant type: Duplication.
Coding change: c.10463dup on transcript NM_001197104.2 (MANE Select); coding-DNA position 10463, one base duplicated (A; older notation c.10463dupA).
Protein change: p.Thr3489fs; shifts the reading frame from threonine 3489.
Molecular consequence: frameshift variant.
Genome position (GRCh38, 1-based): chr11:118,506,355, A duplicated. VCF-style (leftmost placement, unchanged base first): chr11-118506354-C-CA. GRCh37 (hg19) VCF-style: chr11-118377069-C-CA.
Other names: c.10553dup, p.Thr3519fs (NM_001412597.1); c.10454dup, p.Thr3486fs (NM_005933.4); short protein forms T3489fs, T3519fs, T3486fs.
Identifiers: ClinVar variation 2695465 (VCV002695465.3), dbSNP rs2497030918, ClinGen allele CA2697559011.

ClinVar aggregate classification (germline): Pathogenic (1 of 4 stars; one submission).

Submission:

Labcorp Genetics (formerly Invitae), Labcorp
Classification: Pathogenic. Last evaluated: 2023-11-13. Review status: criteria provided, single submitter. Criteria: Invitae Variant Classification Sherloc (09022015). Collection method: clinical testing. Allele origin: germline.
Comment: This sequence change creates a premature translational stop signal (p.Thr3489Aspfs*6) in the KMT2A gene. It is expected to result in an absent or disrupted protein product. Loss-of-function variants in KMT2A are known to be pathogenic (PMID: 22795537, 25810209, 29574747). This variant is not present in population databases (gnomAD no frequency). This variant has not been reported in the literature in individuals affected with KMT2A-related conditions. For these reasons, this variant has been classified as Pathogenic.

Literature cited by the submitters: PubMed 22795537; PubMed 25810209; PubMed 29574747.